The following is an entry in ClinVar:

ClinVar aggregate classification (germline): Uncertain significance (1 of 4 stars; one submission).

Allele frequency attached by ClinVar (database versions not stated): ExAC 0.00001; gnomAD 0.00001; gnomAD exomes 0.00001.

Submission:

Labcorp Genetics (formerly Invitae), Labcorp
Classification: Uncertain significance. Last evaluated: 2022-03-04. Review status: criteria provided, single submitter. Criteria: Invitae Variant Classification Sherloc (09022015). Collection method: clinical testing. Allele origin: germline.
Comment: This variant has not been reported in the literature in individuals affected with AHR-related conditions. Algorithms developed to predict the effect of missense changes on protein structure and function (SIFT, PolyPhen-2, Align-GVGD) all suggest that this variant is likely to be disruptive. In summary, the available evidence is currently insufficient to determine the role of this variant in disease. Therefore, it has been classified as a Variant of Uncertain Significance. This variant is present in population databases (rs763132990, gnomAD 0.009%). This sequence change replaces tryptophan, which is neutral and slightly polar, with serine, which is neutral and polar, at codon 362 of the AHR protein (p.Trp362Ser).

NM_001621.5(AHR):c.1085G>C (p.Trp362Ser)

Gene: AHR (aryl hydrocarbon receptor; plus strand). Cytogenetic location: 7p21.1.
Variant type: single nucleotide variant.
Coding change: c.1085G>C on transcript NM_001621.5 (MANE Select); coding-DNA position 1085, G replaced by C.
Protein change: p.Trp362Ser; replaces tryptophan 362 with serine.
Molecular consequence: missense variant.
Genome position (GRCh38, 1-based): chr7:17,335,711, G>C. VCF-style: chr7-17335711-G-C. GRCh37 (hg19) VCF-style: chr7-17375335-G-C.
Other names: short protein forms W362S.
Identifiers: ClinVar variation 1956244 (VCV001956244.5), dbSNP rs763132990, ClinGen allele CA4172014.